The following is an entry in ClinVar:

NM_001330691.3(CEP78):c.1459-4A>G

Gene: CEP78 (centrosomal protein 78; plus strand). Cytogenetic location: 9q21.2.
Variant type: single nucleotide variant.
Coding change: c.1459-4A>G on transcript NM_001330691.3 (MANE Select); 4 bases into the intron before coding-DNA position 1459, A replaced by G.
Molecular consequence: intron variant.
Genome position (GRCh38, 1-based): chr9:78,264,146, A>G. VCF-style: chr9-78264146-A-G. GRCh37 (hg19) VCF-style: chr9-80879062-A-G.
Other names: c.1462-4A>G (NM_001349839.2, NM_001349840.2, NM_001098802.3 and 2 more transcripts); c.1459-4A>G (NM_001330693.3, NM_001349838.2, NM_001330694.2).
Identifiers: ClinVar variation 1533686 (VCV001533686.32), dbSNP rs769979435, ClinGen allele CA5095275.

ClinVar aggregate classification (germline): Likely benign. Review status: criteria provided, multiple submitters, no conflicts (2 of 4 stars). 4 submissions from 4 submitters: Likely benign (3). 1 of the submissions does not count toward it. Last evaluated 2024-12-26.

Conditions:
CEP78-related disorder. Also called: CEP78-related condition.

Allele frequency attached by ClinVar (database versions not stated): gnomAD 0.00001; gnomAD exomes 0.00001 and 0.00002; TOPMed 0.00001; ExAC 0.00010.
gnomAD v4.1: 16 of 1,441,832 alleles (0.0011%); highest among the groups gnomAD compares: East Asian, 0.0026%; no homozygotes.

Submissions (4):

Labcorp Genetics (formerly Invitae), Labcorp
Classification: Likely benign. Last evaluated: 2024-12-26. Review status: criteria provided, single submitter. Criteria: Invitae Variant Classification Sherloc (09022015). Collection method: clinical testing. Allele origin: germline.

Blueprint Genetics
Classification: Likely benign. Last evaluated: 2024-07-03. Review status: criteria provided, single submitter. Criteria: ACMG Guidelines, 2015. Collection method: clinical testing. Allele origin: germline.

CeGaT Center for Human Genetics Tuebingen
Classification: Likely benign. Last evaluated: 2024-01-01. Review status: criteria provided, single submitter. Criteria: CeGaT Center For Human Genetics Tuebingen Variant Classification Criteria Version 2. Collection method: clinical testing. Allele origin: germline. Affected: yes. Observed: 1 variant allele.
Comment: CEP78: BP4

PreventionGenetics, part of Exact Sciences
Classification: Likely benign for CEP78-related condition. Last evaluated: 2019-08-29. Review status: no assertion criteria provided. Collection method: clinical testing. Allele origin: germline. Not counted in ClinVar's aggregate classification.
Comment: This variant is classified as likely benign based on ACMG/AMP sequence variant interpretation guidelines (Richards et al. 2015 PMID: 25741868, with internal and published modifications).